The following is an entry in ClinVar:

ClinVar aggregate classification (germline): Uncertain significance (1 of 4 stars; one submission).

gnomAD v4.1: 207 of 1,610,762 alleles (0.013%); highest among the groups gnomAD compares: Non-Finnish European, 0.017%; no homozygotes.

Submission:

Mayo Clinic Laboratories, Mayo Clinic
Classification: Uncertain significance. Last evaluated: 2023-10-25. Review status: criteria provided, single submitter. Criteria: ACMG Guidelines, 2015. Collection method: clinical testing. Allele origin: germline. Observed: 1 variant allele.
Comment: PP3

NM_003290.3(TPM4):c.389C>T (p.Ala130Val)

Gene: TPM4 (tropomyosin 4; plus strand). Cytogenetic location: 19p13.12.
Variant type: single nucleotide variant.
Coding change: c.389C>T on transcript NM_003290.3 (MANE Select); coding-DNA position 389, C replaced by T.
Protein change: p.Ala130Val; replaces alanine 130 with valine.
Molecular consequence: missense variant.
Genome position (GRCh38, 1-based): chr19:16,088,031, C>T. VCF-style: chr19-16088031-C-T. GRCh37 (hg19) VCF-style: chr19-16198841-C-T.
Other names: p.Ala166Val; c.497C>T, p.Ala166Val (NM_001145160.2); c.449C>T, p.Ala150Val (NM_001367836.1); c.389C>T, p.Ala130Val (NM_001367837.2); c.380C>T, p.Ala127Val (NM_001367838.1); short protein forms A127V, A130V, A150V, A166V.
Identifiers: ClinVar variation 3380597 (VCV003380597.1).